The following is an entry in ClinVar:

ClinVar aggregate classification (germline): Uncertain significance. Review status: reviewed by expert panel (3 of 4 stars). 2 submissions from 2 submitters: Uncertain significance (1). 1 of the submissions does not count toward it. Last evaluated 2024-04-23.

Conditions:
Severe combined immunodeficiency, autosomal recessive, T cell-negative, B cell-negative, NK cell-negative, due to adenosine deaminase deficiency. Also called: SCID DUE TO ADA DEFICIENCY; SCID DUE TO ADA DEFICIENCY, EARLY-ONSET; ADA-SCID; Adenosine Deaminase Deficiency; ADA deficiency; Adenosine deaminase deficient severe combined immunodeficiency. Identifiers: Orphanet 277, MedGen C0392607, MONDO:0007064, OMIM 102700.

Allele frequency attached by ClinVar (database versions not stated): gnomAD 0.00001; TOPMed 0.00003.
gnomAD v4.1: 4 of 1,614,034 alleles (0.00025%); highest among the groups gnomAD compares: African/African-American, 0.004%; no homozygotes.

Submissions (2):

ClinGen Severe Combined Immunodeficiency Variant Curation Expert Panel, ClinGen
Classification: Uncertain significance for Severe combined immunodeficiency, autosomal recessive, T cell-negative, B cell-negative, NK cell-negative, due to adenosine deaminase deficiency. Last evaluated: 2024-04-23. Review status: reviewed by expert panel. Criteria: ClinGen SCID ACMG Specifications ADA V1.0.0. Collection method: curation. Allele origin: germline. Inheritance: Autosomal recessive inheritance.
Comment: The c.940G>T (NM_000022.4) variant in ADA is a missense variant predicted to cause substitution of Aspartic Acid by Tyrosine at amino acid 314 (p.Asp314Tyr). The filtering allele frequency (the upper threshold of the 95% CI of 3/74910 alleles) of the c.940G>T variant in ADA is 0.00001063 for African/African American chromosomes by gnomAD v4, which is lower than the ClinGen SCID VCEP threshold (<0.0001742) for PM2_Supporting, and therefore meets this criterion (PM2_Supporting). No homozygotes have been observed in gnomAD. Another missense variant [c.941A>G, p.Asp314Gly] in the same codon has been reported; however, the ClinGen SCID VCEP classified this variant as VUS (PM5 not met). To our knowledge, this variant has not been reported in the literature in individuals affected with ADA-related conditions or in functional studies. Due to insufficient evidence, this variant is classified as a variant of uncertain significance for autosomal recessive SCID based on ACMG/AMP criteria applied, as specified by the ClinGen SCID VCEP (specification version 1.0): PM2_Supporting.

Labcorp Genetics (formerly Invitae), Labcorp
Classification: Uncertain significance for Severe combined immunodeficiency, autosomal recessive, T cell-negative, B cell-negative, NK cell-negative, due to adenosine deaminase deficiency. Last evaluated: 2022-03-19. Review status: criteria provided, single submitter. Criteria: Invitae Variant Classification Sherloc (09022015). Collection method: clinical testing. Allele origin: germline. Not counted in ClinVar's aggregate classification.
Comment: This sequence change replaces aspartic acid, which is acidic and polar, with tyrosine, which is neutral and polar, at codon 314 of the ADA protein (p.Asp314Tyr). This variant is present in population databases (no rsID available, gnomAD 0.01%). This variant has not been reported in the literature in individuals affected with ADA-related conditions. Advanced modeling of protein sequence and biophysical properties (such as structural, functional, and spatial information, amino acid conservation, physicochemical variation, residue mobility, and thermodynamic stability) performed at Invitae indicates that this missense variant is not expected to disrupt ADA protein function. Algorithms developed to predict the effect of sequence changes on RNA splicing suggest that this variant may create or strengthen a splice site. In summary, the available evidence is currently insufficient to determine the role of this variant in disease. Therefore, it has been classified as a Variant of Uncertain Significance.

NM_000022.4(ADA):c.940G>T (p.Asp314Tyr)

Gene: ADA (adenosine deaminase; minus strand). Cytogenetic location: 20q13.12.
Variant type: single nucleotide variant.
Coding change: c.940G>T on transcript NM_000022.4 (MANE Select); coding-DNA position 940, G replaced by T.
Protein change: p.Asp314Tyr; replaces aspartic acid 314 with tyrosine.
Molecular consequence: missense variant. On other transcripts: non-coding transcript variant (1).
Genome position (GRCh38, 1-based): chr20:44,621,053, C>A on the plus strand (G>T on the coding strand, the complement: ADA is on the minus strand). VCF-style: chr20-44621053-C-A. GRCh37 (hg19) VCF-style: chr20-43249694-C-A.
Other names: p.Asp314Tyr; NM_000022.4(ADA):c.940G>T; c.535G>T, p.Asp179Tyr (NM_001322050.2); c.868G>T, p.Asp290Tyr (NM_001322051.2); short protein forms D290Y, D179Y, D314Y.
Identifiers: ClinVar variation 2199784 (VCV002199784.1), dbSNP rs923650787, ClinGen allele CA315433936.